The following is an entry in ClinVar:

ClinVar aggregate classification (germline): Likely benign (1 of 4 stars; one submission).

Conditions:
SBF1-related disorder. Also called: SBF1-related condition.

Submission:

PreventionGenetics, part of Exact Sciences
Classification: Likely benign for SBF1-related condition. Last evaluated: 2025-09-03. Review status: criteria provided, single submitter. Criteria: ACMG Guidelines, 2015. Collection method: clinical testing. Allele origin: germline.
Comment: This variant is classified as likely benign based on ACMG/AMP sequence variant interpretation guidelines (Richards et al. 2015 PMID: 25741868, with internal and published modifications).

NM_002972.4(SBF1):c.2396+8A>G

Gene: SBF1 (SET binding factor 1; minus strand). Cytogenetic location: 22q13.33.
Variant type: single nucleotide variant.
Coding change: c.2396+8A>G on transcript NM_002972.4 (MANE Select); 8 bases into the intron after coding-DNA position 2396, A replaced by G.
Molecular consequence: intron variant.
Genome position (GRCh38, 1-based): chr22:50,462,197, T>C on the plus strand (A>G on the coding strand, the complement: SBF1 is on the minus strand). VCF-style: chr22-50462197-T-C. GRCh37 (hg19) VCF-style: chr22-50900626-T-C.
Other names: c.2396+8A>G (NM_001410795.1); c.2399+8A>G (NM_001365819.1, NM_001410794.1).
Identifiers: ClinVar variation 4982175 (VCV004982175.1).